The following is an entry in ClinVar:

ClinVar aggregate classification (germline): Pathogenic (1 of 4 stars; one submission).

Conditions:
Mucopolysaccharidosis type 7 (MPS7). Also called: SLY SYNDROME; BETA-GLUCURONIDASE DEFICIENCY; GUSB DEFICIENCY; MPS VII. Identifiers: Orphanet 584, MedGen C0085132, MONDO:0009662, OMIM 253220.

Submission:

Labcorp Genetics (formerly Invitae), Labcorp
Classification: Pathogenic for Mucopolysaccharidosis type 7. Last evaluated: 2026-01-12. Review status: criteria provided, single submitter. Criteria: Invitae Variant Classification Sherloc (09022015). Collection method: clinical testing. Allele origin: germline.
Comment: This sequence change creates a premature translational stop signal (p.Ser5Valfs*49) in the GUSB gene. It is expected to result in an absent or disrupted protein product. Loss-of-function variants in GUSB are known to be pathogenic (PMID: 19224584). This variant is not present in population databases (gnomAD no frequency). This variant has not been reported in the literature in individuals affected with GUSB-related conditions. For these reasons, this variant has been classified as Pathogenic.

Literature cited by the submitters: PubMed 19224584.

NM_000181.4(GUSB):c.12dup (p.Ser5fs)

Gene: GUSB (glucuronidase beta; minus strand). Cytogenetic location: 7q11.21.
Variant type: Duplication.
Coding change: c.12dup on transcript NM_000181.4 (MANE Select); coding-DNA position 12, one base duplicated (G; older notation c.12dupG).
Protein change: p.Ser5fs; shifts the reading frame from serine 5.
Molecular consequence: frameshift variant. On other transcripts: 5 prime UTR variant (2), non-coding transcript variant (1).
Genome position (GRCh38, 1-based): chr7:65,982,172, C duplicated on the plus strand (G on the coding strand, the reverse complement: GUSB is on the minus strand); the first of 5 consecutive C bases (chr7:65,982,172-65,982,176); duplicating any one gives the same sequence. VCF-style (leftmost placement, unchanged base first): chr7-65982171-A-AC. GRCh37 (hg19) VCF-style: chr7-65447158-A-AC.
Other names: c.12dup, p.Ser5fs (NM_001284290.2); c.-374dup (NM_001293104.2); c.-318dup (NM_001293105.2); short protein forms S5fs.
Identifiers: ClinVar variation 4735271 (VCV004735271.1).